The following is an entry in ClinVar:

NM_001039753.4(EML6):c.4996G>T (p.Gly1666Ter)

Gene: EML6 (EMAP like 6; plus strand). Cytogenetic location: 2p16.1.
Variant type: single nucleotide variant.
Coding change: c.4996G>T on transcript NM_001039753.4 (MANE Select); coding-DNA position 4996, G replaced by T.
Protein change: p.Gly1666Ter; replaces glycine 1666 with a stop codon.
Molecular consequence: nonsense.
Genome position (GRCh38, 1-based): chr2:54,962,550, G>T. VCF-style: chr2-54962550-G-T. GRCh37 (hg19) VCF-style: chr2-55189686-G-T.
Other names: short protein forms G1666*.
Identifiers: ClinVar variation 1710378 (VCV001710378.3), dbSNP rs202192837, ClinGen allele CA346876386.

ClinVar aggregate classification (germline): Uncertain significance (1 of 4 stars; one submission).

gnomAD v4.1: 1 of 1,547,322 alleles (0.000065%); highest among the groups gnomAD compares: African/African-American, 0.0014%; no homozygotes.

Submission:

Greenwood Genetic Center Diagnostic Laboratories, Greenwood Genetic Center
Classification: Uncertain significance. Last evaluated: 2022-08-26. Review status: criteria provided, single submitter. Criteria: ACMG Guidelines, 2015. Collection method: clinical testing. Allele origin: germline. Affected: yes.
Comment: Gene of Uncertain Significance